The following is an entry in ClinVar:

NM_001377540.1(SLMAP):c.1483A>C (p.Lys495Gln)

Gene: SLMAP (sarcolemma associated protein; plus strand). Cytogenetic location: 3p14.3.
Variant type: single nucleotide variant.
Coding change: c.1483A>C on transcript NM_001377540.1 (MANE Select); coding-DNA position 1483, A replaced by C.
Protein change: p.Lys495Gln; replaces lysine 495 with glutamine.
Molecular consequence: missense variant. On other transcripts: non-coding transcript variant (1).
Genome position (GRCh38, 1-based): chr3:57,896,914, A>C. VCF-style: chr3-57896914-A-C. GRCh37 (hg19) VCF-style: chr3-57882641-A-C.
Other names: c.1432A>C, p.Lys478Gln (NM_001304420.3, NM_001377541.1, NM_001377542.1 and 2 more transcripts); c.1318A>C, p.Lys440Gln (NM_001304421.2, NM_001377557.1, NM_001377559.1 and 1 more transcripts); c.34A>C, p.Lys12Gln (NM_001304422.3, NM_001304423.3, NM_001311178.2 and 4 more transcripts); c.1483A>C, p.Lys495Gln (NM_001377538.1, NM_001377539.1, NM_001377555.1); c.1420A>C, p.Lys474Gln (NM_001377545.1, NM_001377922.1); c.1381A>C, p.Lys461Gln (NM_001377549.1, NM_001377923.1, NM_007159.5); c.1369A>C, p.Lys457Gln (NM_001377551.1, NM_001377552.1, NM_001377924.1); short protein forms K474Q, K457Q, K495Q, K461Q, K478Q, K12Q, K440Q.
Identifiers: ClinVar variation 2986999 (VCV002986999.3), dbSNP rs780431433, ClinGen allele CA353412424.

ClinVar aggregate classification (germline): Uncertain significance (1 of 4 stars; one submission).

Conditions:
Brugada syndrome. Also called: Sudden unexpected nocturnal death syndrome; Sudden unexplained nocturnal death syndrome; Sudden Unexplained Death Syndrome; Sudden Unexplained Nocturnal Death Syndrome (SUNDS). Identifiers: Orphanet 130, MedGen C1142166, MONDO:0015263.

Submission:

Labcorp Genetics (formerly Invitae), Labcorp
Classification: Uncertain significance for Brugada syndrome. Last evaluated: 2023-08-09. Review status: criteria provided, single submitter. Criteria: Invitae Variant Classification Sherloc (09022015). Collection method: clinical testing. Allele origin: germline.
Comment: In summary, the available evidence is currently insufficient to determine the role of this variant in disease. Therefore, it has been classified as a Variant of Uncertain Significance. This sequence change replaces lysine, which is basic and polar, with glutamine, which is neutral and polar, at codon 461 of the SLMAP protein (p.Lys461Gln). This variant is not present in population databases (gnomAD no frequency). This variant has not been reported in the literature in individuals affected with SLMAP-related conditions. An algorithm developed to predict the effect of missense changes on protein structure and function (PolyPhen-2) suggests that this variant is likely to be disruptive.